The following is an entry in ClinVar:

ClinVar aggregate classification (germline): Uncertain significance. Review status: criteria provided, multiple submitters, no conflicts (2 of 4 stars). 2 submissions from 2 submitters: Uncertain significance (2). Last evaluated 2025-04-21.

Conditions:
Inborn genetic diseases. Identifiers: MedGen C0950123, MeSH D030342.
Autosomal dominant polycystic kidney disease. Identifiers: Orphanet 730, MedGen C0085413, MONDO:0004691.

Submissions (2):

Ambry Genetics
Classification: Uncertain significance for Inborn genetic diseases. Last evaluated: 2025-04-21. Review status: criteria provided, single submitter. Criteria: Ambry Variant Classification Scheme 2023. Collection method: clinical testing. Allele origin: germline.

Labcorp Genetics (formerly Invitae), Labcorp
Classification: Uncertain significance for Autosomal dominant polycystic kidney disease. Last evaluated: 2021-07-13. Review status: criteria provided, single submitter. Criteria: Invitae Variant Classification Sherloc (09022015). Collection method: clinical testing. Allele origin: germline.
Comment: This sequence change replaces aspartic acid with histidine at codon 780 of the PKD2 protein (p.Asp780His). The aspartic acid residue is moderately conserved and there is a moderate physicochemical difference between aspartic acid and histidine. This variant is not present in population databases (ExAC no frequency). This variant has not been reported in the literature in individuals affected with PKD2-related conditions. Algorithms developed to predict the effect of missense changes on protein structure and function are either unavailable or do not agree on the potential impact of this missense change (SIFT: "Deleterious"; PolyPhen-2: "Probably Damaging"; Align-GVGD: "Class C0"). In summary, the available evidence is currently insufficient to determine the role of this variant in disease. Therefore, it has been classified as a Variant of Uncertain Significance.

NM_000297.4(PKD2):c.2338G>C (p.Asp780His)

Gene: PKD2 (polycystin 2, transient receptor potential cation channel; plus strand). Cytogenetic location: 4q22.1.
Variant type: single nucleotide variant.
Coding change: c.2338G>C on transcript NM_000297.4 (MANE Select); coding-DNA position 2338, G replaced by C.
Protein change: p.Asp780His; replaces aspartic acid 780 with histidine.
Molecular consequence: missense variant. On other transcripts: non-coding transcript variant (1).
Genome position (GRCh38, 1-based): chr4:88,065,859, G>C. VCF-style: chr4-88065859-G-C. GRCh37 (hg19) VCF-style: chr4-88987011-G-C.
Other names: c.2338G>C (NM_000297.3); short protein forms D780H.
Identifiers: ClinVar variation 1432452 (VCV001432452.9), dbSNP rs773557612, ClinGen allele CA357625420.